The following is an entry in ClinVar:

ClinVar aggregate classification (germline): Uncertain significance. Review status: criteria provided, multiple submitters, no conflicts (2 of 4 stars). 2 submissions from 2 submitters: Uncertain significance (2). Last evaluated 2025-12-12.

Conditions:
Hereditary cancer-predisposing syndrome. Also called: Hereditary neoplastic syndrome; Neoplastic Syndromes, Hereditary; Tumor predisposition; Hereditary Cancer Syndrome. Identifiers: Orphanet 140162, MedGen C0027672, MeSH D009386, MONDO:0015356.
DICER1-related tumor predisposition. Also called: DICER1-related pleuropulmonary blastoma cancer predisposition syndrome; DICER1 syndrome. Identifiers: Orphanet 284343, MedGen C3839822, MONDO:0100216.

Allele frequency attached by ClinVar (database versions not stated): gnomAD exomes below 0.00001; ExAC 0.00001.

Submissions (2):

Ambry Genetics
Classification: Uncertain significance for Hereditary cancer-predisposing syndrome. Last evaluated: 2025-12-12. Review status: criteria provided, single submitter. Criteria: Ambry Variant Classification Scheme 2023. Collection method: clinical testing. Allele origin: germline.
Comment: The p.K320R variant (also known as c.959A>G), located in coding exon 7 of the DICER1 gene, results from an A to G substitution at nucleotide position 959. The lysine at codon 320 is replaced by arginine, an amino acid with highly similar properties. This amino acid position is highly conserved in available vertebrate species. In addition, the in silico prediction for this alteration is inconclusive. Based on the available evidence, the clinical significance of this variant remains unclear.

Labcorp Genetics (formerly Invitae), Labcorp
Classification: Uncertain significance for DICER1-related tumor predisposition. Last evaluated: 2025-02-27. Review status: criteria provided, single submitter. Criteria: Invitae Variant Classification Sherloc (09022015). Collection method: clinical testing. Allele origin: germline.
Comment: This sequence change replaces lysine, which is basic and polar, with arginine, which is basic and polar, at codon 320 of the DICER1 protein (p.Lys320Arg). This variant is not present in population databases (gnomAD no frequency). This variant has not been reported in the literature in individuals affected with DICER1-related conditions. ClinVar contains an entry for this variant (Variation ID: 412090). Invitae Evidence Modeling of protein sequence and biophysical properties (such as structural, functional, and spatial information, amino acid conservation, physicochemical variation, residue mobility, and thermodynamic stability) indicates that this missense variant is not expected to disrupt DICER1 protein function with a negative predictive value of 95%. In summary, the available evidence is currently insufficient to determine the role of this variant in disease. Therefore, it has been classified as a Variant of Uncertain Significance.

NM_177438.3(DICER1):c.959A>G (p.Lys320Arg)

Gene: DICER1 (dicer 1, ribonuclease III; minus strand). Cytogenetic location: 14q32.13.
Variant type: single nucleotide variant.
Coding change: c.959A>G on transcript NM_177438.3 (MANE Select); coding-DNA position 959, A replaced by G.
Protein change: p.Lys320Arg; replaces lysine 320 with arginine.
Molecular consequence: missense variant.
Genome position (GRCh38, 1-based): chr14:95,124,613, T>C on the plus strand (A>G on the coding strand, the complement: DICER1 is on the minus strand). VCF-style: chr14-95124613-T-C. GRCh37 (hg19) VCF-style: chr14-95590950-T-C.
Other names: c.959A>G, p.Lys320Arg (NM_001195573.1, NM_001271282.3, NM_001291628.2 and 1 more transcripts); short protein forms K320R.
Identifiers: ClinVar variation 412090 (VCV000412090.13), dbSNP rs779851333, ClinGen allele CA7331541.